The following is an entry in ClinVar:

NM_000138.5(FBN1):c.7675G>A (p.Asp2559Asn)

Gene: FBN1 (fibrillin 1; minus strand). Cytogenetic location: 15q21.1.
Variant type: single nucleotide variant.
Coding change: c.7675G>A on transcript NM_000138.5 (MANE Select); coding-DNA position 7675, G replaced by A.
Protein change: p.Asp2559Asn; replaces aspartic acid 2559 with asparagine.
Molecular consequence: missense variant.
Genome position (GRCh38, 1-based): chr15:48,421,582, C>T on the plus strand (G>A on the coding strand, the complement: FBN1 is on the minus strand). VCF-style: chr15-48421582-C-T. GRCh37 (hg19) VCF-style: chr15-48713779-C-T.
Other names: c.7675G>A, p.Asp2559Asn (NM_001406716.1); short protein forms D2559N.
Identifiers: ClinVar variation 3069409 (VCV003069409.1), dbSNP rs2505397733, ClinGen allele CA392325020.

ClinVar aggregate classification (germline): Uncertain significance (1 of 4 stars; one submission).

Conditions:
Marfan syndrome (MFS). Also called: MARFAN SYNDROME, TYPE I; Marfan syndrome type 1; Marfan's syndrome; Marfan syndrome, classic; FBN1-Related Marfan Syndrome. Identifiers: Orphanet 284963, Orphanet 558, MedGen C0024796, MONDO:0007947, OMIM 154700.

Submission:

All of Us Research Program, National Institutes of Health
Classification: Uncertain significance for Marfan syndrome. Last evaluated: 2023-02-10. Review status: criteria provided, single submitter. Criteria: ACMG Guidelines, 2015. Collection method: clinical testing. Allele origin: germline. Inheritance: Autosomal dominant inheritance. Observed: 1 variant allele, 1 heterozygote.
Comment: This study involves interpretation of variants in research participants for the purpose of population health screening. Participant phenotype was not available at the time of variant classification. Additional details can be found in publication PMID: 35346344, PMCID: PMC8962531